The following is an entry in ClinVar:

NM_017934.7(PHIP):c.2709T>A (p.Asn903Lys)

Gene: PHIP (PHIP subunit of CUL4-Ring ligase complex; minus strand). Cytogenetic location: 6q14.1.
Variant type: single nucleotide variant.
Coding change: c.2709T>A on transcript NM_017934.7 (MANE Select); coding-DNA position 2709, T replaced by A.
Protein change: p.Asn903Lys; replaces asparagine 903 with lysine.
Molecular consequence: missense variant.
Genome position (GRCh38, 1-based): chr6:78,982,946, A>T on the plus strand (T>A on the coding strand, the complement: PHIP is on the minus strand). VCF-style: chr6-78982946-A-T. GRCh37 (hg19) VCF-style: chr6-79692663-A-T.
Other names: c.2709T>A (NM_017934.5, NM_017934.6); short protein forms N903K.
Identifiers: ClinVar variation 2069037 (VCV002069037.13), dbSNP rs778338346, ClinGen allele CA3899886.

ClinVar aggregate classification (germline): Conflicting classifications of pathogenicity. Review status: criteria provided, conflicting classifications (1 of 4 stars). 4 submissions from 4 submitters: Uncertain significance (1); Likely benign (2). 1 of the submissions does not count toward it. Last evaluated 2026-04-01.

Conditions:
PHIP-related disorder. Also called: PHIP-related disorders; PHIP-related condition.
Inborn genetic diseases. Identifiers: MedGen C0950123, MeSH D030342.

Allele frequency attached by ClinVar (database versions not stated): gnomAD 0.00003; gnomAD exomes 0.00003; TOPMed 0.00012; ExAC 0.00013.
gnomAD v4.1: 46 of 1,600,630 alleles (0.0029%); highest among the groups gnomAD compares: Admixed American, 0.074%; no homozygotes.

Submissions (4):

CeGaT Center for Human Genetics Tuebingen
Classification: Likely benign. Last evaluated: 2026-04-01. Review status: criteria provided, single submitter. Criteria: CeGaT Center For Human Genetics Tuebingen Variant Classification Criteria Version 2. Collection method: clinical testing. Allele origin: germline. Affected: yes. Observed: 2 variant alleles.
Comment: PHIP: BP4

Labcorp Genetics (formerly Invitae), Labcorp
Classification: Uncertain significance. Last evaluated: 2025-08-06. Review status: criteria provided, single submitter. Criteria: Invitae Variant Classification Sherloc (09022015). Collection method: clinical testing. Allele origin: germline.
Comment: This sequence change replaces asparagine, which is neutral and polar, with lysine, which is basic and polar, at codon 903 of the PHIP protein (p.Asn903Lys). The frequency data for this variant in the population databases is considered unreliable, as metrics indicate poor data quality at this position in the gnomAD database. This variant has not been reported in the literature in individuals affected with PHIP-related conditions. ClinVar contains an entry for this variant (Variation ID: 2069037). Invitae Evidence Modeling of protein sequence and biophysical properties (such as structural, functional, and spatial information, amino acid conservation, physicochemical variation, residue mobility, and thermodynamic stability) indicates that this missense variant is not expected to disrupt PHIP protein function with a negative predictive value of 95%. In summary, the available evidence is currently insufficient to determine the role of this variant in disease. Therefore, it has been classified as a Variant of Uncertain Significance.

Ambry Genetics
Classification: Likely benign for Inborn genetic diseases. Last evaluated: 2024-06-03. Review status: criteria provided, single submitter. Criteria: Ambry Variant Classification Scheme 2023. Collection method: clinical testing. Allele origin: germline.

PreventionGenetics, part of Exact Sciences
Classification: Likely benign for PHIP-related condition. Last evaluated: 2022-05-23. Review status: no assertion criteria provided. Collection method: clinical testing. Allele origin: germline. Not counted in ClinVar's aggregate classification.
Comment: This variant is classified as likely benign based on ACMG/AMP sequence variant interpretation guidelines (Richards et al. 2015 PMID: 25741868, with internal and published modifications).